The following is an entry in ClinVar:

ClinVar aggregate classification (germline): Uncertain significance (1 of 4 stars; one submission).

Conditions:
Familial intrahepatic cholestasis. Identifiers: Orphanet 284385, MedGen CN296401, MONDO:0017290.

Submission:

Genomenon, Inc
Classification: Uncertain significance for Familial intrahepatic cholestasis. Last evaluated: 2026-04-14. Review status: criteria provided, single submitter. Criteria: Genomenon Sequence Variant Interpretation Standards - Updated. Collection method: curation. Allele origin: germline. Affected: yes.
Comment: ABCB4 p.Thr857Ile (c.2570C>T) is a missense variant that changes the amino acid at residue 857 from Threonine to Isoleucine. This variant has been observed in at least one proband with an ABCB4-related disorder (PMID:38610052). The variant was found to segregate with disease in at least one affected family (PMID:38610052). It is absent or not present at a significant frequency in gnomAD. In silico models predict that this variant is possibly or probably damaging. In conclusion, we classify ABCB4 p.Thr857Ile (c.2570C>T) as a variant of uncertain significance.

Literature cited by the submitters: PubMed 38610052.

NM_000443.4(ABCB4):c.2570C>T (p.Thr857Ile)

Gene: ABCB4 (ATP binding cassette subfamily B member 4; minus strand). Cytogenetic location: 7q21.12.
Variant type: single nucleotide variant.
Coding change: c.2570C>T on transcript NM_000443.4 (MANE Select); coding-DNA position 2570, C replaced by T.
Protein change: p.Thr857Ile; replaces threonine 857 with isoleucine.
Molecular consequence: missense variant.
Genome position (GRCh38, 1-based): chr7:87,417,424, G>A on the plus strand (C>T on the coding strand, the complement: ABCB4 is on the minus strand). VCF-style: chr7-87417424-G-A. GRCh37 (hg19) VCF-style: chr7-87046740-G-A.
Other names: c.2570C>T, p.Thr857Ile (NM_018849.3, NM_018850.3); short protein forms T857I.
Identifiers: ClinVar variation 4846646 (VCV004846646.1).